The following is an entry in ClinVar:

ClinVar aggregate classification (germline): Likely pathogenic. Review status: criteria provided, multiple submitters, no conflicts (2 of 4 stars). 7 submissions from 7 submitters: Likely pathogenic (5). 2 of the submissions do not count toward it. Last evaluated 2025-11-24.

Conditions:
Inborn genetic diseases. Identifiers: MedGen C0950123, MeSH D030342.
Aicardi Goutieres syndrome (AGS). Also called: Encephalopathy, familial infantile, with calcification of basal ganglia and chronic cerebrospinal fluid lymphocytosis. Identifiers: Orphanet 51, MedGen C0393591, MONDO:0018866.
Aicardi-Goutieres syndrome 4. Identifiers: Orphanet 51, MedGen C1835912, MONDO:0012472, OMIM 610333.

Allele frequency attached by ClinVar (database versions not stated): gnomAD exomes 0.00002; ExAC 0.00001; TOPMed 0.00002.

Submissions (7):

Ambry Genetics
Classification: Likely pathogenic for Inborn genetic diseases. Last evaluated: 2025-11-24. Review status: criteria provided, single submitter. Criteria: Ambry Variant Classification Scheme 2023. Collection method: clinical testing. Allele origin: germline.
Comment: The c.704G>A (p.R235Q) alteration is located in exon 7 (coding exon 7) of the RNASEH2A gene. This alteration results from a G to A substitution at nucleotide position 704, causing the arginine (R) at amino acid position 235 to be replaced by a glutamine (Q). Based on data from gnomAD, the A allele has an overall frequency of 0.002% (4/251100) total alleles studied. The highest observed frequency was 0.003% (1/34538) of Latino alleles. This variant has been identified in the homozygous state and/or in conjunction with other RNASEH2A variant(s) in individual(s) with features consistent with Aicardi-Goutieres syndrome (Rice, 2013). This amino acid position is highly conserved in available vertebrate species. In an assay testing RNASEH2A function, this variant showed a functionally abnormal result (Coffin, 2011). This alteration is predicted to be deleterious by in silico analysis. Based on the available evidence, this alteration is classified as likely pathogenic.

Fulgent Genetics
Classification: Likely pathogenic for Aicardi-Goutieres syndrome 4. Last evaluated: 2024-05-19. Review status: criteria provided, single submitter. Criteria: ACMG Guidelines, 2015. Collection method: clinical testing. Allele origin: germline.

Labcorp Genetics (formerly Invitae), Labcorp
Classification: Likely pathogenic for Aicardi-Goutieres syndrome 4. Last evaluated: 2023-12-19. Review status: criteria provided, single submitter. Criteria: Invitae Variant Classification Sherloc (09022015). Collection method: clinical testing. Allele origin: germline.
Comment: This sequence change replaces arginine, which is basic and polar, with glutamine, which is neutral and polar, at codon 235 of the RNASEH2A protein (p.Arg235Gln). This variant is present in population databases (rs75718910, gnomAD 0.003%). This missense change has been observed in individual(s) with Aicardi-Goutieres syndrome (PMID: 17846997, 23592335, 27943079). In at least one individual the data is consistent with being in trans (on the opposite chromosome) from a pathogenic variant. It has also been observed to segregate with disease in related individuals. This variant is also known as R236Q. ClinVar contains an entry for this variant (Variation ID: 66066). Advanced modeling of protein sequence and biophysical properties (such as structural, functional, and spatial information, amino acid conservation, physicochemical variation, residue mobility, and thermodynamic stability) performed at Invitae indicates that this missense variant is expected to disrupt RNASEH2A protein function with a positive predictive value of 80%. Experimental studies have shown that this missense change affects RNASEH2A function (PMID: 21454563). This variant disrupts the p.Arg235 amino acid residue in RNASEH2A. Other variant(s) that disrupt this residue have been observed in individuals with RNASEH2A-related conditions (PMID: 24300241), which suggests that this may be a clinically significant amino acid residue. In summary, the currently available evidence indicates that the variant is pathogenic, but additional data are needed to prove that conclusively. Therefore, this variant has been classified as Likely Pathogenic.

Women's Health and Genetics/Laboratory Corporation of America, LabCorp
Classification: Likely pathogenic for Aicardi Goutieres syndrome. Last evaluated: 2023-02-03. Review status: criteria provided, single submitter. Criteria: LabCorp Variant Classification Summary - May 2015. Collection method: clinical testing. Allele origin: germline.
Comment: Variant summary: RNASEH2A c.704G>A (p.Arg235Gln) results in a conservative amino acid change located in the Ribonuclease HII/HIII domain (IPR024567) of the encoded protein sequence. Four of five in-silico tools predict a damaging effect of the variant on protein function. The variant allele was found at a frequency of 1.6e-05 in 251100 control chromosomes (gnomAD). The available data on variant occurrences in the general population are insufficient to allow any conclusion about variant significance. c.704G>A has been reported in the literature in individuals affected with Aicardi Goutieres Syndrome (e.g., Rice_2007, Rice_2013, Crow_2015). These data indicate that the variant is likely to be associated with disease. Several publications report experimental evidence evaluating an impact on protein function (e.g., Coffin_2011, Lim_2015), reporting dramatically reduced enzyme, catalytic, and substrate-binding activity (<1%, Coffin_2011) as well as genome-wide DNA:RNA hybrid accumulation and hypomethylation (Lim_2015). No clinical diagnostic laboratories have submitted clinical-significance assessments for this variant to ClinVar after 2014. In addition, p.R235W has been reported to associate with Aicardi-Goutieres syndrome (HGMD database).Based on the evidence outlined above, the variant was classified as likely pathogenic.

Kariminejad - Najmabadi Pathology & Genetics Center
Classification: Likely pathogenic for Aicardi-Goutieres syndrome 4. Review status: criteria provided, single submitter. Criteria: ACMG Guidelines, 2015. Collection method: clinical testing. Allele origin: germline. Affected: no.

OMIM
Classification: Pathogenic for AICARDI-GOUTIERES SYNDROME 4. Last evaluated: 2011-05-13. Review status: no assertion criteria provided. Collection method: literature only. Allele origin: germline. Not counted in ClinVar's aggregate classification.

GeneReviews
No classification provided. Condition: Aicardi-Goutieres syndrome 4. Review status: no classification provided. Collection method: literature only. Allele origin: germline. Affected: yes. Not counted in ClinVar's aggregate classification.

Literature cited by the submitters: PubMed 21454563 (cited by 4 submitters); PubMed 23592335 (cited by 3 submitters); PubMed 17846997 (cited by 3 submitters); PubMed 27943079 (cited by Labcorp Genetics (formerly Invitae), Labcorp); PubMed 24300241 (cited by Labcorp Genetics (formerly Invitae), Labcorp); PubMed 25604658 (cited by Women's Health and Genetics/Laboratory Corporation of America, LabCorp); PubMed 21177858 (cited by Women's Health and Genetics/Laboratory Corporation of America, LabCorp); PubMed 26182405 (cited by Women's Health and Genetics/Laboratory Corporation of America, LabCorp); NCBI Bookshelf NBK1475 (cited by GeneReviews).

NM_006397.3(RNASEH2A):c.704G>A (p.Arg235Gln)

Gene: RNASEH2A (ribonuclease H2 subunit A; plus strand). Cytogenetic location: 19p13.13.
Variant type: single nucleotide variant.
Coding change: c.704G>A on transcript NM_006397.3 (MANE Select); coding-DNA position 704, G replaced by A.
Protein change: p.Arg235Gln; replaces arginine 235 with glutamine.
Molecular consequence: missense variant.
Genome position (GRCh38, 1-based): chr19:12,813,149, G>A. VCF-style: chr19-12813149-G-A. GRCh37 (hg19) VCF-style: chr19-12923963-G-A.
Other names: short protein forms R235Q.
Identifiers: ClinVar variation 66066 (VCV000066066.11), dbSNP rs75718910, ClinGen allele CA345294.